The following is an entry in ClinVar:

NM_000057.4(BLM):c.3841G>T (p.Val1281Leu)

Gene: BLM (BLM RecQ like helicase; plus strand). Cytogenetic location: 15q26.1.
Variant type: single nucleotide variant.
Coding change: c.3841G>T on transcript NM_000057.4 (MANE Select); coding-DNA position 3841, G replaced by T.
Protein change: p.Val1281Leu; replaces valine 1281 with leucine.
Molecular consequence: missense variant.
Genome position (GRCh38, 1-based): chr15:90,809,226, G>T. VCF-style: chr15-90809226-G-T. GRCh37 (hg19) VCF-style: chr15-91352456-G-T.
Other names: c.3841G>T, p.Val1281Leu (NM_001287246.2); c.3448G>T, p.Val1150Leu (NM_001287247.2); c.2716G>T, p.Val906Leu (NM_001287248.2); short protein forms V1150L, V1281L, V906L.
Identifiers: ClinVar variation 2734203 (VCV002734203.3), dbSNP rs1018540956, ClinGen allele CA393849778.
Genomic context (GRCh38, chr15:90,809,226, plus strand): 5'-CTTCAAATTGATGGTGTTACTGAAGACAAACTGGAAAAATATGGTGCGGAAGTGATTTCA[G>T]TATTACAGAAATACTCTGAATGGACATCGCCAGGTTAGTACACAGCCATGTGTGTTCTCT-3'
Protein context (NP_000048.1, residues 1271-1291): LEKYGAEVIS[Val1281Leu]LQKYSEWTSP

ClinVar aggregate classification (germline): Uncertain significance (1 of 4 stars; one submission).

Conditions:
Bloom syndrome (BLM). Also called: Bloom-Torre-Machacek syndrome. Identifiers: Orphanet 125, MedGen C0005859, MONDO:0008876, OMIM 210900.

Submission:

Labcorp Genetics (formerly Invitae), Labcorp
Classification: Uncertain significance for Bloom syndrome. Last evaluated: 2023-06-06. Review status: criteria provided, single submitter. Criteria: Invitae Variant Classification Sherloc (09022015). Collection method: clinical testing. Allele origin: germline.
Comment: In summary, the available evidence is currently insufficient to determine the role of this variant in disease. Therefore, it has been classified as a Variant of Uncertain Significance. This variant is not present in population databases (gnomAD no frequency). This sequence change replaces valine, which is neutral and non-polar, with leucine, which is neutral and non-polar, at codon 1281 of the BLM protein (p.Val1281Leu). This variant has not been reported in the literature in individuals affected with BLM-related conditions. Advanced modeling of protein sequence and biophysical properties (such as structural, functional, and spatial information, amino acid conservation, physicochemical variation, residue mobility, and thermodynamic stability) performed at Invitae indicates that this missense variant is not expected to disrupt BLM protein function.